The following is an entry in ClinVar:

ClinVar aggregate classification (germline): Uncertain significance. Review status: criteria provided, multiple submitters, no conflicts (2 of 4 stars). 2 submissions from 2 submitters: Uncertain significance (2). Last evaluated 2024-05-20.

Allele frequency attached by ClinVar (database versions not stated): ExAC 0.00002.
gnomAD v4.1: 137 of 1,614,012 alleles (0.0085%); highest among the groups gnomAD compares: Non-Finnish European, 0.012%; no homozygotes.

Submissions (2):

Labcorp Genetics (formerly Invitae), Labcorp
Classification: Uncertain significance. Last evaluated: 2024-05-20. Review status: criteria provided, single submitter. Criteria: Invitae Variant Classification Sherloc (09022015). Collection method: clinical testing. Allele origin: germline.
Comment: This sequence change replaces methionine, which is neutral and non-polar, with leucine, which is neutral and non-polar, at codon 679 of the JAK1 protein (p.Met679Leu). This variant is present in population databases (rs749721569, gnomAD 0.005%). This variant has not been reported in the literature in individuals affected with JAK1-related conditions. An algorithm developed to predict the effect of missense changes on protein structure and function (PolyPhen-2) suggests that this variant is likely to be tolerated. In summary, the available evidence is currently insufficient to determine the role of this variant in disease. Therefore, it has been classified as a Variant of Uncertain Significance.

Blueprint Genetics
Classification: Uncertain significance. Last evaluated: 2024-05-09. Review status: criteria provided, single submitter. Criteria: ACMG Guidelines, 2015. Collection method: clinical testing. Allele origin: germline.

NM_002227.4(JAK1):c.2035A>C (p.Met679Leu)

Gene: JAK1 (Janus kinase 1; minus strand). Cytogenetic location: 1p31.3.
Variant type: single nucleotide variant.
Coding change: c.2035A>C on transcript NM_002227.4 (MANE Select); coding-DNA position 2035, A replaced by C.
Protein change: p.Met679Leu; replaces methionine 679 with leucine.
Molecular consequence: missense variant.
Genome position (GRCh38, 1-based): chr1:64,845,593, T>G on the plus strand (A>C on the coding strand, the complement: JAK1 is on the minus strand). VCF-style: chr1-64845593-T-G. GRCh37 (hg19) VCF-style: chr1-65311276-T-G.
Other names: c.2035A>C, p.Met679Leu (NM_001320923.2, NM_001321852.2, NM_001321853.2 and 3 more transcripts); c.2032A>C, p.Met678Leu (NM_001321857.2); short protein forms M679L, M678L.
Identifiers: ClinVar variation 2912218 (VCV002912218.4), dbSNP rs749721569, ClinGen allele CA892764.